The following is an entry in ClinVar:

ClinVar aggregate classification (germline): Uncertain significance (1 of 4 stars; one submission).

Conditions:
Muscular dystrophy-dystroglycanopathy type B6 (MDDGB6). Also called: MUSCULAR DYSTROPHY-DYSTROGLYCANOPATHY (CONGENITAL WITH IMPAIRED INTELLECTUAL DEVELOPMENT), TYPE B, 6; MUSCULAR DYSTROPHY, CONGENITAL, LARGE-RELATED; MUSCULAR DYSTROPHY, CONGENITAL, TYPE 1D. Identifiers: MedGen C1837229, MONDO:0012138, OMIM 608840.

Allele frequency attached by ClinVar (database versions not stated): ExAC 0.00002; gnomAD exomes 0.00002; TOPMed 0.00003; gnomAD 0.00006 and 0.00007; ESP Exome Variant Server 0.00008; 1000 Genomes Project 30x 0.00016; 1000 Genomes Project 0.00020.
gnomAD v4.1: 38 of 1,614,244 alleles (0.0024%); highest among the groups gnomAD compares: African/African-American, 0.024%; no homozygotes.

Submission:

Labcorp Genetics (formerly Invitae), Labcorp
Classification: Uncertain significance for Muscular dystrophy-dystroglycanopathy type B6. Last evaluated: 2022-08-16. Review status: criteria provided, single submitter. Criteria: Invitae Variant Classification Sherloc (09022015). Collection method: clinical testing. Allele origin: germline.
Comment: This sequence change replaces arginine, which is basic and polar, with glutamine, which is neutral and polar, at codon 643 of the LARGE1 protein (p.Arg643Gln). This variant is present in population databases (rs151199006, gnomAD 0.02%). This variant has not been reported in the literature in individuals affected with LARGE1-related conditions. ClinVar contains an entry for this variant (Variation ID: 967133). Algorithms developed to predict the effect of missense changes on protein structure and function are either unavailable or do not agree on the potential impact of this missense change (SIFT: "Tolerated"; PolyPhen-2: "Probably Damaging"; Align-GVGD: "Class C0"). In summary, the available evidence is currently insufficient to determine the role of this variant in disease. Therefore, it has been classified as a Variant of Uncertain Significance.

NM_133642.5(LARGE1):c.1928G>A (p.Arg643Gln)

Gene: LARGE1 (LARGE xylosyl- and glucuronyltransferase 1; minus strand). Cytogenetic location: 22q12.3.
Variant type: single nucleotide variant.
Coding change: c.1928G>A on transcript NM_133642.5 (MANE Select); coding-DNA position 1928, G replaced by A.
Protein change: p.Arg643Gln; replaces arginine 643 with glutamine.
Molecular consequence: missense variant.
Genome position (GRCh38, 1-based): chr22:33,277,205, C>T on the plus strand (G>A on the coding strand, the complement: LARGE1 is on the minus strand). VCF-style: chr22-33277205-C-T. GRCh37 (hg19) VCF-style: chr22-33673191-C-T.
Other names: c.1928G>A, p.Arg643Gln (NM_001362949.2, NM_001362951.2, NM_001362953.2 and 4 more transcripts); c.1781G>A, p.Arg594Gln (NM_001378627.1, NM_001378628.1); c.1772G>A, p.Arg591Gln (NM_001378629.1); c.1325G>A, p.Arg442Gln (NM_001378630.1); c.1022G>A, p.Arg341Gln (NM_001378631.1); short protein forms R341Q, R643Q, R442Q, R591Q, R594Q.
Identifiers: ClinVar variation 967133 (VCV000967133.7), dbSNP rs151199006, ClinGen allele CA10202604.
Genomic context (GRCh38, chr22:33,277,205, plus strand): 5'-ACAACAACATACGGCTCAAAATCGGCCTCCCACTCAACCCGGTAAGGCGTGGTGGCGGTC[C>T]GCCACTTGGCGAAGTTTGTGGGTGCGTGGCCTTTCGTCCAGACGTGGTACCTGAGACACA-3'
Protein context (NP_598397.1, residues 633-653): GHAPTNFAKW[Arg643Gln]TATTPYRVEW